The following is an entry in ClinVar:

NM_147127.5(EVC2):c.2632C>T (p.Gln878Ter)

Gene: EVC2 (EvC ciliary complex subunit 2; minus strand). Cytogenetic location: 4p16.2.
Variant type: single nucleotide variant.
Coding change: c.2632C>T on transcript NM_147127.5 (MANE Select); coding-DNA position 2632, C replaced by T.
Protein change: p.Gln878Ter; replaces glutamine 878 with a stop codon.
Molecular consequence: nonsense.
Genome position (GRCh38, 1-based): chr4:5,618,552, G>A on the plus strand (C>T on the coding strand, the complement: EVC2 is on the minus strand). VCF-style: chr4-5618552-G-A. GRCh37 (hg19) VCF-style: chr4-5620279-G-A.
Other names: c.2392C>T, p.Gln798Ter (NM_001166136.2); short protein forms Q798*, Q878*.
Identifiers: ClinVar variation 2944247 (VCV002944247.3), dbSNP rs2475360496, ClinGen allele CA356143265.

ClinVar aggregate classification (germline): Pathogenic (1 of 4 stars; one submission).

Conditions:
Curry-Hall syndrome (WAD). Also called: WEYERS ACRODENTAL DYSOSTOSIS. Identifiers: Orphanet 952, MedGen C0457013, MONDO:0008673, OMIM 193530.
Ellis-van Creveld syndrome (EVC). Also called: EVC-Related Ellis-van Creveld Syndrome; EVC2-Related Ellis-van Creveld Syndrome; MESOECTODERMAL DYSPLASIA; Chondroectodermal dysplasia. Identifiers: Orphanet 289, MedGen C0013903, MONDO:0009162, OMIM 225500.

Submission:

Labcorp Genetics (formerly Invitae), Labcorp
Classification: Pathogenic for Curry-Hall syndrome; Ellis-van Creveld syndrome. Last evaluated: 2023-02-14. Review status: criteria provided, single submitter. Criteria: Invitae Variant Classification Sherloc (09022015). Collection method: clinical testing. Allele origin: germline.
Comment: For these reasons, this variant has been classified as Pathogenic. This variant has not been reported in the literature in individuals affected with EVC2-related conditions. This variant is not present in population databases (gnomAD no frequency). This sequence change creates a premature translational stop signal (p.Gln878*) in the EVC2 gene. It is expected to result in an absent or disrupted protein product. Loss-of-function variants in EVC2 are known to be pathogenic (PMID: 17024374, 19810119, 19876929).

Literature cited by the submitters: PubMed 17024374; PubMed 19810119; PubMed 19876929.